The following is an entry in ClinVar:

NM_019032.6(ADAMTSL4):c.2763+2T>G

Gene: ADAMTSL4 (ADAMTS like 4; plus strand). Cytogenetic location: 1q21.2.
Variant type: single nucleotide variant.
Coding change: c.2763+2T>G on transcript NM_019032.6 (MANE Select); the canonical splice donor site of the intron after coding-DNA position 2763, T replaced by G.
Molecular consequence: splice donor variant.
Genome position (GRCh38, 1-based): chr1:150,559,167, T>G. VCF-style: chr1-150559167-T-G. GRCh37 (hg19) VCF-style: chr1-150531643-T-G.
Other names: c.2832+2T>G (NM_001288608.2); c.2646+2T>G (NM_001288607.2); c.2763+2T>G (NM_001378596.1).
Identifiers: ClinVar variation 3008692 (VCV003008692.3), dbSNP rs751109501, ClinGen allele CA1078829.

ClinVar aggregate classification (germline): Likely pathogenic (1 of 4 stars; one submission).

Allele frequency attached by ClinVar (database versions not stated): gnomAD exomes below 0.00001; TOPMed below 0.00001; gnomAD 0.00001; ExAC 0.00002.
gnomAD v4.1: 6 of 1,611,940 alleles (0.00037%); highest among the groups gnomAD compares: Non-Finnish European, 0.00034%; no homozygotes.

Submission:

Labcorp Genetics (formerly Invitae), Labcorp
Classification: Likely pathogenic. Last evaluated: 2023-10-25. Review status: criteria provided, single submitter. Criteria: Invitae Variant Classification Sherloc (09022015). Collection method: clinical testing. Allele origin: germline.
Comment: This sequence change affects a donor splice site in intron 16 of the ADAMTSL4 gene. It is expected to disrupt RNA splicing. Variants that disrupt the donor or acceptor splice site typically lead to a loss of protein function (PMID: 16199547), and loss-of-function variants in ADAMTSL4 are known to be pathogenic (PMID: 20564469, 28642162). This variant is present in population databases (rs751109501, gnomAD 0.0009%). This variant has not been reported in the literature in individuals affected with ADAMTSL4-related conditions. Algorithms developed to predict the effect of sequence changes on RNA splicing suggest that this variant may disrupt the consensus splice site. In summary, the currently available evidence indicates that the variant is pathogenic, but additional data are needed to prove that conclusively. Therefore, this variant has been classified as Likely Pathogenic.

Literature cited by the submitters: PubMed 16199547; PubMed 20564469; PubMed 28642162.